The following is an entry in ClinVar:

ClinVar aggregate classification (germline): Likely benign (0 of 4 stars; one submission).

Conditions:
COL11A2-related disorder. Also called: COL11A2-related disorders; COL11A2-related condition.

Submission:

PreventionGenetics, part of Exact Sciences
Classification: Likely benign for COL11A2-related condition. Last evaluated: 2021-10-05. Review status: no assertion criteria provided. Collection method: clinical testing. Allele origin: germline.
Comment: This variant is classified as likely benign based on ACMG/AMP sequence variant interpretation guidelines (Richards et al. 2015 PMID: 25741868, with internal and published modifications).

NM_080680.3(COL11A2):c.201G>A (p.Gln67=)

Gene: COL11A2 (collagen type XI alpha 2 chain; minus strand). Cytogenetic location: 6p21.32.
Variant type: single nucleotide variant.
Coding change: c.201G>A on transcript NM_080680.3 (MANE Select); coding-DNA position 201, G replaced by A.
Protein change: p.Gln67=; no amino-acid change (glutamine 67 retained).
Molecular consequence: synonymous variant. On other transcripts: 5 prime UTR variant (3), non-coding transcript variant (1).
Genome position (GRCh38, 1-based): chr6:33,189,351, C>T on the plus strand (G>A on the coding strand, the complement: COL11A2 is on the minus strand). VCF-style: chr6-33189351-C-T. GRCh37 (hg19) VCF-style: chr6-33157128-C-T.
Other names: c.201G>A, p.Gln67= (NM_001163771.2, NM_001424108.1, NM_080679.3 and 1 more transcripts); c.-646G>A (NM_001424109.1, NM_001424110.1, NM_001424111.1).
Identifiers: ClinVar variation 3061690 (VCV003061690.2), dbSNP rs1190532953, ClinGen allele CA449852391.